The following is an entry in ClinVar:

ClinVar aggregate classification (germline): Uncertain significance (1 of 4 stars; one submission).

Conditions:
Cardiovascular phenotype. Identifiers: MedGen CN230736.

Allele frequency attached by ClinVar (database versions not stated): gnomAD exomes below 0.00001.

Submission:

Ambry Genetics
Classification: Uncertain significance for Cardiovascular phenotype. Last evaluated: 2025-07-30. Review status: criteria provided, single submitter. Criteria: Ambry Variant Classification Scheme 2023. Collection method: clinical testing. Allele origin: germline.
Comment: The p.P55S variant (also known as c.163C>T), located in coding exon 1 of the BAG3 gene, results from a C to T substitution at nucleotide position 163. The proline at codon 55 is replaced by serine, an amino acid with similar properties. This amino acid position is conserved. In addition, this alteration is predicted to be tolerated by in silico analysis. Based on the available evidence, the clinical significance of this variant remains unclear.

NM_004281.4(BAG3):c.163C>T (p.Pro55Ser)

Gene: BAG3 (BAG cochaperone 3; plus strand). Cytogenetic location: 10q26.11.
Variant type: single nucleotide variant.
Coding change: c.163C>T on transcript NM_004281.4 (MANE Select); coding-DNA position 163, C replaced by T.
Protein change: p.Pro55Ser; replaces proline 55 with serine.
Molecular consequence: missense variant.
Genome position (GRCh38, 1-based): chr10:119,651,838, C>T. VCF-style: chr10-119651838-C-T. GRCh37 (hg19) VCF-style: chr10-121411350-C-T.
Other names: short protein forms P55S.
Identifiers: ClinVar variation 2475677 (VCV002475677.3), dbSNP rs1282194323, ClinGen allele CA378294313.